The following is an entry in ClinVar:

ClinVar aggregate classification (germline): Likely benign. Review status: criteria provided, multiple submitters, no conflicts (2 of 4 stars). 2 submissions from 2 submitters: Likely benign (2). Last evaluated 2025-10-18.

Conditions:
IFT27-related disorder. Also called: IFT27-related condition.

Allele frequency attached by ClinVar (database versions not stated): ExAC 0.00002; gnomAD exomes 0.00002 and 0.00006; gnomAD 0.00003; TOPMed 0.00007.
gnomAD v4.1: 86 of 1,613,988 alleles (0.0053%); highest among the groups gnomAD compares: East Asian, 0.016%; no homozygotes.

Submissions (2):

Labcorp Genetics (formerly Invitae), Labcorp
Classification: Likely benign. Last evaluated: 2025-10-18. Review status: criteria provided, single submitter. Criteria: Invitae Variant Classification Sherloc (09022015). Collection method: clinical testing. Allele origin: germline.

PreventionGenetics, part of Exact Sciences
Classification: Likely benign for IFT27-related condition. Last evaluated: 2025-03-30. Review status: criteria provided, single submitter. Criteria: ACMG Guidelines, 2015. Collection method: clinical testing. Allele origin: germline.
Comment: This variant is classified as likely benign based on ACMG/AMP sequence variant interpretation guidelines (Richards et al. 2015 PMID: 25741868, with internal and published modifications).

NM_001177701.3(IFT27):c.57C>T (p.Thr19=)

Gene: IFT27 (intraflagellar transport 27; minus strand). Cytogenetic location: 22q12.3.
Variant type: single nucleotide variant.
Coding change: c.57C>T on transcript NM_001177701.3 (MANE Select); coding-DNA position 57, C replaced by T.
Protein change: p.Thr19=; no amino-acid change (threonine 19 retained).
Molecular consequence: synonymous variant.
Genome position (GRCh38, 1-based): chr22:36,767,840, G>A on the plus strand (C>T on the coding strand, the complement: IFT27 is on the minus strand). VCF-style: chr22-36767840-G-A. GRCh37 (hg19) VCF-style: chr22-37163884-G-A.
Other names: c.54C>T (NM_006860.4); c.57C>T, p.Thr19= (NM_001363003.2); c.54C>T, p.Thr18= (NM_006860.5).
Identifiers: ClinVar variation 1143787 (VCV001143787.10), dbSNP rs770331483, ClinGen allele CA10212546.